The following is an entry in ClinVar:

ClinVar aggregate classification (germline): Pathogenic (1 of 4 stars; one submission).

Conditions:
Periventricular heterotopia with microcephaly, autosomal recessive (ARPHM). Also called: Periventricular heterotopia with microcephaly; PERIVENTRICULAR NODULAR HETEROTOPIA 2. Identifiers: Orphanet 2149, MedGen C1842563, MONDO:0011966, OMIM 608097.

Submission:

3billion
Classification: Pathogenic for Periventricular heterotopia with microcephaly, autosomal recessive. Last evaluated: 2022-09-01. Review status: criteria provided, single submitter. Criteria: ACMG Guidelines, 2015. Collection method: clinical testing. Allele origin: germline. Affected: yes. Observed: 1 homozygote.
Comment: The variant is not observed in the gnomAD v2.1.1 dataset. Stop-gained (nonsense) is predicted to result in a loss or disruption of normal protein function through nonsense-mediated decay (NMD) or protein truncation. Multiple pathogenic variants are reported downstream of the variant. Therefore, this variant is classified as Likely pathogenic according to the recommendation of ACMG/AMP guideline.

NM_006420.3(ARFGEF2):c.4003G>T (p.Glu1335Ter)

Gene: ARFGEF2 (ARF guanine nucleotide exchange factor 2; plus strand). Cytogenetic location: 20q13.13.
Variant type: single nucleotide variant.
Coding change: c.4003G>T on transcript NM_006420.3 (MANE Select); coding-DNA position 4003, G replaced by T.
Protein change: p.Glu1335Ter; replaces glutamic acid 1335 with a stop codon.
Molecular consequence: nonsense.
Genome position (GRCh38, 1-based): chr20:49,013,648, G>T. VCF-style: chr20-49013648-G-T. GRCh37 (hg19) VCF-style: chr20-47630185-G-T.
Other names: c.4000G>T, p.Glu1334Ter (NM_001410846.1); short protein forms E1334*, E1335*.
Identifiers: ClinVar variation 1705394 (VCV001705394.1), dbSNP rs374632843, ClinGen allele CA409323606.